The following is an entry in ClinVar:

ClinVar aggregate classification (germline): Uncertain significance (1 of 4 stars; one submission).

Conditions:
Deficiency of aromatic-L-amino-acid decarboxylase. Also called: Aromatic amino acid decarboxylase deficiency; Aromatic L-Amino Acid Decarboxylase Deficiency; DDC DEFICIENCY; DOPA DECARBOXYLASE DEFICIENCY; AADC DEFICIENCY. Identifiers: Orphanet 35708, MedGen C1291564, MONDO:0012084, OMIM 608643.

Submission:

Labcorp Genetics (formerly Invitae), Labcorp
Classification: Uncertain significance for Deficiency of aromatic-L-amino-acid decarboxylase. Last evaluated: 2022-07-19. Review status: criteria provided, single submitter. Criteria: Invitae Variant Classification Sherloc (09022015). Collection method: clinical testing. Allele origin: germline.
Comment: In summary, the available evidence is currently insufficient to determine the role of this variant in disease. Therefore, it has been classified as a Variant of Uncertain Significance. Algorithms developed to predict the effect of missense changes on protein structure and function output the following: SIFT: "Tolerated"; PolyPhen-2: "Benign"; Align-GVGD: "Class C0". The lysine amino acid residue is found in multiple mammalian species, which suggests that this missense change does not adversely affect protein function. ClinVar contains an entry for this variant (Variation ID: 1460840). This variant has not been reported in the literature in individuals affected with DDC-related conditions. This variant is not present in population databases (gnomAD no frequency). This sequence change replaces glutamic acid, which is acidic and polar, with lysine, which is basic and polar, at codon 127 of the DDC protein (p.Glu127Lys).

NM_001082971.2(DDC):c.379G>A (p.Glu127Lys)

Genes: DDC (dopa decarboxylase; minus strand), DDC-AS1 (DDC antisense RNA 1; plus strand). Cytogenetic location: 7p12.1.
Variant type: single nucleotide variant.
Coding change: c.379G>A on transcript NM_001082971.2 (MANE Select); coding-DNA position 379, G replaced by A.
Protein change: p.Glu127Lys; replaces glutamic acid 127 with lysine.
Molecular consequence: missense variant. On other transcripts: intron variant (1).
Genome position (GRCh38, 1-based): chr7:50,537,916, C>T on the plus strand (G>A on the coding strand, the complement: DDC is on the minus strand). VCF-style: chr7-50537916-C-T. GRCh37 (hg19) VCF-style: chr7-50605614-C-T.
Other names: c.379G>A, p.Glu127Lys (NM_000790.4, NM_001242887.2, NM_001242889.2 and 1 more transcripts); c.265G>A, p.Glu89Lys (NM_001242886.2); c.201+5969G>A (NM_001242888.2); short protein forms E127K, E89K.
Identifiers: ClinVar variation 1460840 (VCV001460840.6), dbSNP rs2153548503, ClinGen allele CA367528156.